The following is an entry in ClinVar:

NM_004990.4(MARS1):c.1127G>A (p.Arg376Gln)

Gene: MARS1 (methionyl-tRNA synthetase 1; plus strand). Cytogenetic location: 12q13.3.
Variant type: single nucleotide variant.
Coding change: c.1127G>A on transcript NM_004990.4 (MANE Select); coding-DNA position 1127, G replaced by A.
Protein change: p.Arg376Gln; replaces arginine 376 with glutamine.
Molecular consequence: missense variant.
Genome position (GRCh38, 1-based): chr12:57,500,356, G>A. VCF-style: chr12-57500356-G-A. GRCh37 (hg19) VCF-style: chr12-57894139-G-A.
Other names: short protein forms R376Q.
Identifiers: ClinVar variation 1681720 (VCV001681720.9), dbSNP rs150428018, ClinGen allele CA6650429.

ClinVar aggregate classification (germline): Conflicting classifications of pathogenicity. Review status: criteria provided, conflicting classifications (1 of 4 stars). 3 submissions from 3 submitters: Uncertain significance (2); Likely benign (1). Last evaluated 2024-10-16.

Conditions:
Severe early-onset pulmonary alveolar proteinosis due to MARS deficiency. Also called: PULMONARY ALVEOLAR PROTEINOSIS, REUNION ISLAND; Interstitial lung and liver disease. Identifiers: Orphanet 440427, MedGen C4225400, MONDO:0014206, OMIM 615486.
Charcot-Marie-Tooth disease axonal type 2U. Also called: CHARCOT-MARIE-TOOTH NEUROPATHY, TYPE 2U; CHARCOT-MARIE-TOOTH DISEASE, AXONAL, AUTOSOMAL DOMINANT, TYPE 2U. Identifiers: Orphanet 397735, MedGen C4084821, MONDO:0014566, OMIM 616280.

Allele frequency attached by ClinVar (database versions not stated): gnomAD exomes 0.00003 and 0.00009; ExAC 0.00008; 1000 Genomes Project 30x 0.00016; 1000 Genomes Project 0.00020; gnomAD 0.00034 and 0.00037; TOPMed 0.00041; ESP Exome Variant Server 0.00054.
gnomAD v4.1: 98 of 1,614,178 alleles (0.0061%); highest among the groups gnomAD compares: African/African-American, 0.1%; no homozygotes.

Submissions (3):

Labcorp Genetics (formerly Invitae), Labcorp
Classification: Uncertain significance for Charcot-Marie-Tooth disease axonal type 2U; Severe early-onset pulmonary alveolar proteinosis due to MARS deficiency. Last evaluated: 2024-10-16. Review status: criteria provided, single submitter. Criteria: Invitae Variant Classification Sherloc (09022015). Collection method: clinical testing. Allele origin: germline.
Comment: This sequence change replaces arginine, which is basic and polar, with glutamine, which is neutral and polar, at codon 376 of the MARS protein (p.Arg376Gln). This variant is present in population databases (rs150428018, gnomAD 0.1%). This variant has not been reported in the literature in individuals affected with MARS-related conditions. ClinVar contains an entry for this variant (Variation ID: 1681720). An algorithm developed to predict the effect of missense changes on protein structure and function (PolyPhen-2) suggests that this variant is likely to be tolerated. In summary, the available evidence is currently insufficient to determine the role of this variant in disease. Therefore, it has been classified as a Variant of Uncertain Significance.

Ambry Genetics
Classification: Likely benign. Last evaluated: 2024-02-09. Review status: criteria provided, single submitter. Criteria: Ambry Variant Classification Scheme 2023. Collection method: clinical testing. Allele origin: germline.

Breakthrough Genomics
Classification: Uncertain significance. Review status: criteria provided, single submitter. Criteria: ACMG Guidelines, 2015. Collection method: not provided. Allele origin: germline. Inheritance: Autosomal recessive inheritance. Affected: yes.

Literature cited by the submitters: PubMed 36413997 (cited by Ambry Genetics).